The following is an entry in ClinVar:

ClinVar aggregate classification (germline): Uncertain significance. Review status: criteria provided, multiple submitters, no conflicts (2 of 4 stars). 5 submissions from 5 submitters: Uncertain significance (5). Last evaluated 2025-09-25.

Conditions:
Inborn genetic diseases. Identifiers: MedGen C0950123, MeSH D030342.
TMEM67-related disorder. Also called: TMEM67-related disorders; TMEM67-related condition. Identifiers: MedGen CN239423.
Meckel-Gruber syndrome. Also called: DYSENCEPHALIA SPLANCHNOCYSTICA; GRUBER SYNDROME; Dysencephalia splachnocystica. Identifiers: Orphanet 564, MedGen C0265215, MONDO:0018921.
Joubert syndrome. Also called: JOUBERT-BOLTSHAUSER SYNDROME; Familial aplasia of the vermis. Identifiers: Orphanet 475, MedGen C5979921, MONDO:0018772.
Nephronophthisis 11 (NPHP11). Identifiers: Orphanet 84081, MedGen C3150796, MONDO:0013302, OMIM 613550.
Bardet-Biedl syndrome 14 (BBS14). Identifiers: Orphanet 110, MedGen C2673874, MONDO:0014442, OMIM 615991.
RHYNS syndrome. Also called: RETINITIS PIGMENTOSA SYNDROME; RETINITIS PIGMENTOSA, HYPOPITUITARISM, NEPHRONOPHTHISIS, AND MILD SKELETAL DYSPLASIA. Identifiers: Orphanet 140976, MedGen C1865794, MONDO:0011202, OMIM 602152.
Meckel syndrome, type 3 (MKS3). Also called: MECKEL-GRUBER SYNDROME, TYPE 3. Identifiers: Orphanet 564, MedGen C1846357, MONDO:0011821, OMIM 607361.
Joubert syndrome 6 (JBTS6). Identifiers: Orphanet 475, MedGen C1853153, MONDO:0012539, OMIM 610688.
COACH syndrome 1. Identifiers: Orphanet 1454, MedGen C5435651, MONDO:0800103, OMIM 216360, MONDO:0008996.

Allele frequency attached by ClinVar (database versions not stated): ExAC 0.00002; gnomAD 0.00003; gnomAD exomes 0.00003; TOPMed 0.00003; ESP Exome Variant Server 0.00008.
gnomAD v4.1: 47 of 1,562,700 alleles (0.003%); highest among the groups gnomAD compares: African/African-American, 0.0081%; no homozygotes.

Submissions (5):

Ambry Genetics
Classification: Uncertain significance for Inborn genetic diseases. Last evaluated: 2025-09-25. Review status: criteria provided, single submitter. Criteria: Ambry Variant Classification Scheme 2023. Collection method: clinical testing. Allele origin: germline.

PreventionGenetics, part of Exact Sciences
Classification: Uncertain significance for TMEM67-related condition. Last evaluated: 2025-07-28. Review status: criteria provided, single submitter. Criteria: ACMG Guidelines, 2015. Collection method: clinical testing. Allele origin: germline.
Comment: The TMEM67 c.2923C>T variant is predicted to result in the amino acid substitution p.Arg975Cys. To our knowledge, this variant has not been reported in the literature. This variant is reported in 0.014% of alleles in individuals of South Asian descent in gnomAD. Of note alternate variants impacting the same amino acid (p.Arg975Gly and p.Arg975His) have been reported in patients with TMEM67-related disorder (Supplementary Table 2 in Abolhassani et al. 2024. PubMed ID: 38374194; Kozina et al. 2023. PubMed ID: 37910852). At this time, the clinical significance of the c.2923C>T (p.Arg975Cys) variant is uncertain due to the absence of conclusive functional and genetic evidence.

Labcorp Genetics (formerly Invitae), Labcorp
Classification: Uncertain significance for Joubert syndrome; Meckel-Gruber syndrome. Last evaluated: 2024-11-11. Review status: criteria provided, single submitter. Criteria: Invitae Variant Classification Sherloc (09022015). Collection method: clinical testing. Allele origin: germline.
Comment: This sequence change replaces arginine, which is basic and polar, with cysteine, which is neutral and slightly polar, at codon 975 of the TMEM67 protein (p.Arg975Cys). This variant is present in population databases (rs375719305, gnomAD 0.01%). This variant has not been reported in the literature in individuals affected with TMEM67-related conditions. ClinVar contains an entry for this variant (Variation ID: 1447605). Invitae Evidence Modeling of protein sequence and biophysical properties (such as structural, functional, and spatial information, amino acid conservation, physicochemical variation, residue mobility, and thermodynamic stability) indicates that this missense variant is expected to disrupt TMEM67 protein function with a positive predictive value of 95%. Algorithms developed to predict the effect of sequence changes on RNA splicing suggest that this variant may disrupt the consensus splice site. In summary, the available evidence is currently insufficient to determine the role of this variant in disease. Therefore, it has been classified as a Variant of Uncertain Significance.

Blueprint Genetics
Classification: Uncertain significance. Last evaluated: 2022-03-24. Review status: criteria provided, single submitter. Criteria: ACMG Guidelines, 2015. Collection method: clinical testing. Allele origin: germline.

Fulgent Genetics
Classification: Uncertain significance for COACH syndrome 1; RHYNS syndrome; Meckel syndrome, type 3; Joubert syndrome 6; Nephronophthisis 11; Bardet-Biedl syndrome 14. Last evaluated: 2022-03-09. Review status: criteria provided, single submitter. Criteria: ACMG Guidelines, 2015. Collection method: clinical testing. Allele origin: unknown.

NM_153704.6(TMEM67):c.2923C>T (p.Arg975Cys)

Gene: TMEM67 (transmembrane protein 67; plus strand). Cytogenetic location: 8q22.1.
Variant type: single nucleotide variant.
Coding change: c.2923C>T on transcript NM_153704.6 (MANE Select); coding-DNA position 2923, C replaced by T.
Protein change: p.Arg975Cys; replaces arginine 975 with cysteine.
Molecular consequence: missense variant. On other transcripts: non-coding transcript variant (1).
Genome position (GRCh38, 1-based): chr8:93,816,387, C>T. VCF-style: chr8-93816387-C-T. GRCh37 (hg19) VCF-style: chr8-94828615-C-T.
Other names: c.2923C>T (NM_153704.5); c.2680C>T, p.Arg894Cys (NM_001142301.1); short protein forms R894C, R975C.
Identifiers: ClinVar variation 1447605 (VCV001447605.10), dbSNP rs375719305, ClinGen allele CA4808433.
Genomic context (GRCh38, chr8:93,816,387, plus strand): 5'-TTCTGTTTATATTTCTTTTCATTCTGAATTGTTTTAATTTTCCAGATTTTTAGATATATC[C>T]GTAATACAGTAGGACAAAAGAATTTGGCATCCAAAACATTGGTGGATCAAAGATTTTTGA-3'
Protein context (NP_714915.3, residues 965-985): YLQQEIFRYI[Arg975Cys]NTVGQKNLAS